The following is an entry in ClinVar:

NM_001605.3(AARS1):c.1764G>C (p.Gln588His)

Gene: AARS1 (alanyl-tRNA synthetase 1; minus strand). Cytogenetic location: 16q22.1.
Variant type: single nucleotide variant.
Coding change: c.1764G>C on transcript NM_001605.3 (MANE Select); coding-DNA position 1764, G replaced by C.
Protein change: p.Gln588His; replaces glutamine 588 with histidine.
Molecular consequence: missense variant.
Genome position (GRCh38, 1-based): chr16:70,261,065, C>G on the plus strand (G>C on the coding strand, the complement: AARS1 is on the minus strand). VCF-style: chr16-70261065-C-G. GRCh37 (hg19) VCF-style: chr16-70294968-C-G.
Other names: short protein forms Q588H.
Identifiers: ClinVar variation 1682202 (VCV001682202.10), dbSNP rs771478786, ClinGen allele CA8140694.

ClinVar aggregate classification (germline): Uncertain significance. Review status: criteria provided, multiple submitters, no conflicts (2 of 4 stars). 4 submissions from 4 submitters: Uncertain significance (4). Last evaluated 2025-12-20.

Conditions:
AARS1-related disorder. Also called: AARS1-related condition.
Leukoencephalopathy, hereditary diffuse, with spheroids 2 (HDLS2). Also called: LEUKOENCEPHALOPATHY, HEREDITARY DIFFUSE, WITH SPHEROIDS, SWEDISH TYPE. Identifiers: MedGen C5562044, MONDO:0030634, OMIM 619661.
Charcot-Marie-Tooth disease type 2. Also called: Charcot-Marie-Tooth type 2. Identifiers: Orphanet 64746, MedGen C0270914, MONDO:0018993.
Inborn genetic diseases. Identifiers: MedGen C0950123, MeSH D030342.

Allele frequency attached by ClinVar (database versions not stated): gnomAD 0.00001; gnomAD exomes 0.00001 and 0.00002; ExAC 0.00002; TOPMed 0.00002.
gnomAD v4.1: 21 of 1,613,592 alleles (0.0013%); highest among the groups gnomAD compares: Admixed American, 0.0083%; no homozygotes.

Submissions (4):

Clinical Genomics Laboratory, Washington University in St. Louis
Classification: Uncertain significance for Leukoencephalopathy, hereditary diffuse, with spheroids 2. Last evaluated: 2025-12-20. Review status: criteria provided, single submitter. Criteria: ACMG Guidelines, 2015. Collection method: clinical testing. Allele origin: germline.
Comment: The AARS c.1764G>C (p.Gln588His) variant, to our knowledge, has not been reported in the medical literature but has been reported in the ClinVar database as a germline variant of uncertain significance by two submitters. The highest population minor allele frequency in the population database genome aggregation database (v.4.1.0) is 0.0016% in the European Finnish population. Computational predictors suggest that the variant does not impact AARS function. Due to limited information, the clinical significance of this variant is uncertain.

Ambry Genetics
Classification: Uncertain significance for Inborn genetic diseases. Last evaluated: 2025-08-27. Review status: criteria provided, single submitter. Criteria: Ambry Variant Classification Scheme 2023. Collection method: clinical testing. Allele origin: germline.

PreventionGenetics, part of Exact Sciences
Classification: Uncertain significance for AARS1-related condition. Last evaluated: 2025-04-22. Review status: criteria provided, single submitter. Criteria: ACMG Guidelines, 2015. Collection method: clinical testing. Allele origin: germline.
Comment: The AARS1 c.1764G>C variant is predicted to result in the amino acid substitution p.Gln588His. To our knowledge, this variant has not been reported in the literature. This variant is reported in 0.012% of alleles in individuals of Latino descent in gnomAD. At this time, the clinical significance of this variant is uncertain due to the absence of conclusive functional and genetic evidence.

Labcorp Genetics (formerly Invitae), Labcorp
Classification: Uncertain significance for Charcot-Marie-Tooth disease type 2. Last evaluated: 2024-10-22. Review status: criteria provided, single submitter. Criteria: Invitae Variant Classification Sherloc (09022015). Collection method: clinical testing. Allele origin: germline.
Comment: This sequence change replaces glutamine, which is neutral and polar, with histidine, which is basic and polar, at codon 588 of the AARS protein (p.Gln588His). This variant is present in population databases (rs771478786, gnomAD 0.01%). This variant has not been reported in the literature in individuals affected with AARS-related conditions. ClinVar contains an entry for this variant (Variation ID: 1682202). Invitae Evidence Modeling of protein sequence and biophysical properties (such as structural, functional, and spatial information, amino acid conservation, physicochemical variation, residue mobility, and thermodynamic stability) indicates that this missense variant is not expected to disrupt AARS protein function with a negative predictive value of 95%. In summary, the available evidence is currently insufficient to determine the role of this variant in disease. Therefore, it has been classified as a Variant of Uncertain Significance.